The following is an entry in ClinVar:

NM_004082.5(DCTN1):c.491G>A (p.Ser164Asn)

Gene: DCTN1 (dynactin subunit 1; minus strand). Cytogenetic location: 2p13.1.
Variant type: single nucleotide variant.
Coding change: c.491G>A on transcript NM_004082.5 (MANE Select); coding-DNA position 491, G replaced by A.
Protein change: p.Ser164Asn; replaces serine 164 with asparagine.
Molecular consequence: missense variant. On other transcripts: non-coding transcript variant (1).
Genome position (GRCh38, 1-based): chr2:74,371,691, C>T on the plus strand (G>A on the coding strand, the complement: DCTN1 is on the minus strand). VCF-style: chr2-74371691-C-T. GRCh37 (hg19) VCF-style: chr2-74598818-C-T.
Other names: c.431G>A, p.Ser144Asn (NM_001135040.3); c.89G>A, p.Ser30Asn (NM_001135041.3, NM_023019.4); c.380G>A, p.Ser127Asn (NM_001190836.2); c.470G>A, p.Ser157Asn (NM_001190837.2); c.440G>A, p.Ser147Asn (NM_001378991.1); c.422G>A, p.Ser141Asn (NM_001378992.1); short protein forms S127N, S144N, S157N, S141N, S164N, S30N, S147N.
Identifiers: ClinVar variation 4785997 (VCV004785997.2).

ClinVar aggregate classification (germline): Uncertain significance. Review status: criteria provided, multiple submitters, no conflicts (2 of 4 stars). 2 submissions from 2 submitters: Uncertain significance (2). Last evaluated 2026-04-17.

Conditions:
Amyotrophic lateral sclerosis type 1 (ALS1). Also called: AMYOTROPHIC LATERAL SCLEROSIS 1, FAMILIAL. Identifiers: Orphanet 803, MedGen C1862939, MONDO:0007103, OMIM 105400.
Neuronopathy, distal hereditary motor, type 7B. Also called: HMN VIIB; LOWER MOTOR NEURON DISEASE, DYNACTIN TYPE; NEURONOPATHY, DISTAL HEREDITARY MOTOR, AUTOSOMAL DOMINANT 14; NEURONOPATHY, DISTAL HEREDITARY MOTOR, HARDING TYPE VIIB; NEUROPATHY, DISTAL HEREDITARY MOTOR, HARDING TYPE VIIB; NEUROPATHY, DISTAL HEREDITARY MOTOR, WITH VOCAL CORD PARALYSIS, HARDING TYPE VIIB. Identifiers: Orphanet 139589, MedGen C1843315, MONDO:0011879, OMIM 607641.
Perry syndrome. Also called: PARKINSONISM WITH ALVEOLAR HYPOVENTILATION AND MENTAL DEPRESSION. Identifiers: Orphanet 178509, MedGen C1868594, MONDO:0008201, OMIM 168605.

gnomAD v4.1: 9 of 1,607,556 alleles (0.00056%); highest among the groups gnomAD compares: Non-Finnish European, 0.00076%; no homozygotes.

Submissions (2):

GeneDx
Classification: Uncertain significance. Last evaluated: 2026-04-17. Review status: criteria provided, single submitter. Criteria: GeneDx Variant Classification Process June 2021. Collection method: clinical testing. Allele origin: germline.
Comment: Not observed at significant frequency in large population cohorts (gnomAD); In silico analysis suggests that this missense variant does not alter protein structure/function; Has not been previously published as pathogenic or benign to our knowledge

Labcorp Genetics (formerly Invitae), Labcorp
Classification: Uncertain significance for Amyotrophic lateral sclerosis type 1; Neuronopathy, distal hereditary motor, type 7B; Perry syndrome. Last evaluated: 2025-07-08. Review status: criteria provided, single submitter. Criteria: Invitae Variant Classification Sherloc (09022015). Collection method: clinical testing. Allele origin: germline.
Comment: This sequence change replaces serine, which is neutral and polar, with asparagine, which is neutral and polar, at codon 164 of the DCTN1 protein (p.Ser164Asn). This variant is not present in population databases (gnomAD no frequency). This variant has not been reported in the literature in individuals affected with DCTN1-related conditions. Invitae Evidence Modeling of protein sequence and biophysical properties (such as structural, functional, and spatial information, amino acid conservation, physicochemical variation, residue mobility, and thermodynamic stability) indicates that this missense variant is not expected to disrupt DCTN1 protein function with a negative predictive value of 95%. In summary, the available evidence is currently insufficient to determine the role of this variant in disease. Therefore, it has been classified as a Variant of Uncertain Significance.